The following is an entry in ClinVar:

ClinVar aggregate classification (germline): Conflicting classifications of pathogenicity. Review status: criteria provided, conflicting classifications (1 of 4 stars). 3 submissions from 3 submitters: Uncertain significance (1); Likely benign (2). Last evaluated 2026-03-05.

Conditions:
Hereditary cancer-predisposing syndrome. Also called: Tumor predisposition; Neoplastic Syndromes, Hereditary; Hereditary Cancer Syndrome; Hereditary neoplastic syndrome. Identifiers: Orphanet 140162, MedGen C0027672, MeSH D009386, MONDO:0015356.
Rhabdoid tumor predisposition syndrome 2 (RTPS2). Identifiers: Orphanet 231108, Orphanet 69077, MedGen C2750074, MONDO:0013224, OMIM 613325.

Submissions (3):

Ambry Genetics
Classification: Uncertain significance for Hereditary cancer-predisposing syndrome. Last evaluated: 2026-03-05. Review status: criteria provided, single submitter. Criteria: Ambry Variant Classification Scheme 2023. Collection method: clinical testing. Allele origin: germline.
Comment: The c.1246-4A>G intronic variant results from an A to G substitution 4 nucleotides upstream from coding exon 7 in the SMARCA4 gene. This nucleotide position is poorly conserved in available vertebrate species. In silico splice site analysis for this alteration is inconclusive. Based on the available evidence, the clinical significance of this variant remains unclear.

Labcorp Genetics (formerly Invitae), Labcorp
Classification: Likely benign for Rhabdoid tumor predisposition syndrome 2. Last evaluated: 2026-01-20. Review status: criteria provided, single submitter. Criteria: Invitae Variant Classification Sherloc (09022015). Collection method: clinical testing. Allele origin: germline.

Quest Diagnostics Nichols Institute San Juan Capistrano
Classification: Likely benign. Last evaluated: 2025-07-24. Review status: criteria provided, single submitter. Criteria: Quest Diagnostics criteria. Collection method: clinical testing. Allele origin: unknown.

NM_003072.5(SMARCA4):c.1246-4A>G

Gene: SMARCA4 (SWI/SNF related BAF chromatin remodeling complex subunit ATPase 4; plus strand). Cytogenetic location: 19p13.2.
Variant type: single nucleotide variant.
Coding change: c.1246-4A>G on transcript NM_003072.5 (MANE Select); 4 bases into the intron before coding-DNA position 1246, A replaced by G.
Molecular consequence: intron variant.
Genome position (GRCh38, 1-based): chr19:10,991,146, A>G. VCF-style: chr19-10991146-A-G. GRCh37 (hg19) VCF-style: chr19-11101822-A-G.
Other names: c.1246-4A>G (NM_001128844.3, NM_001128849.3, NM_001128847.4 and 4 more transcripts).
Identifiers: ClinVar variation 772694 (VCV000772694.12), dbSNP rs1344703726, ClinGen allele CA632115166.